The following is an entry in ClinVar:

ClinVar aggregate classification (germline): Pathogenic (1 of 4 stars; one submission).

Conditions:
Exostoses, multiple, type 2 (EXT2). Also called: Hereditary Multiple Osteochondromatosis, Type II; EXOSTOSES, MULTIPLE, TYPE II. Identifiers: Orphanet 321, MedGen C1851413, MONDO:0007586, OMIM 133701.

Submission:

Labcorp Genetics (formerly Invitae), Labcorp
Classification: Pathogenic for Exostoses, multiple, type 2. Last evaluated: 2025-06-03. Review status: criteria provided, single submitter. Criteria: Invitae Variant Classification Sherloc (09022015). Collection method: clinical testing. Allele origin: germline.
Comment: This sequence change affects an acceptor splice site in intron 7 of the EXT2 gene. It is expected to disrupt RNA splicing. Variants that disrupt the donor or acceptor splice site typically lead to a loss of protein function (PMID: 16199547), and loss-of-function variants in EXT2 are known to be pathogenic (PMID: 10679937, 19810120). This variant is not present in population databases (gnomAD no frequency). Disruption of this splice site has been observed in individual(s) with multiple exostoses (PMID: 26402641; internal data). ClinVar contains an entry for this variant (Variation ID: 2997472). Algorithms developed to predict the effect of sequence changes on RNA splicing suggest that this variant may disrupt the consensus splice site. For these reasons, this variant has been classified as Pathogenic.

Literature cited by the submitters: PubMed 16199547; PubMed 10679937; PubMed 19810120; PubMed 26402641.

NM_207122.2(EXT2):c.1174-2A>G

Gene: EXT2 (exostosin glycosyltransferase 2; plus strand). Cytogenetic location: 11p11.2.
Variant type: single nucleotide variant.
Coding change: c.1174-2A>G on transcript NM_207122.2 (MANE Select); the canonical splice acceptor site of the intron before coding-DNA position 1174, A replaced by G.
Molecular consequence: splice acceptor variant. On other transcripts: intron variant (1).
Genome position (GRCh38, 1-based): chr11:44,171,609, A>G. VCF-style: chr11-44171609-A-G. GRCh37 (hg19) VCF-style: chr11-44193159-A-G.
Other names: c.1174-2A>G (NM_001389630.1, NM_001389628.1); c.1267-65A>G (NM_001178083.3); c.1273-2A>G (NM_000401.3).
Identifiers: ClinVar variation 2997472 (VCV002997472.3), dbSNP rs2539664619, ClinGen allele CA380174992.